The following is an entry in ClinVar:

ClinVar aggregate classification (germline): Uncertain significance. Review status: criteria provided, multiple submitters, no conflicts (2 of 4 stars). 4 submissions from 4 submitters: Uncertain significance (4). Last evaluated 2025-01-06.

Conditions:
Wilson disease (WND). Also called: Wilson's disease. Identifiers: Orphanet 905, MedGen C0019202, MONDO:0010200, OMIM 277900. Disease mechanism: loss of function.

Allele frequency attached by ClinVar (database versions not stated): gnomAD 0.00001; TOPMed 0.00001; gnomAD exomes 0.00002; ExAC 0.00003.

Submissions (4):

Labcorp Genetics (formerly Invitae), Labcorp
Classification: Uncertain significance for Wilson disease. Last evaluated: 2025-01-06. Review status: criteria provided, single submitter. Criteria: Invitae Variant Classification Sherloc (09022015). Collection method: clinical testing. Allele origin: germline.
Comment: This sequence change replaces lysine, which is basic and polar, with asparagine, which is neutral and polar, at codon 167 of the ATP7B protein (p.Lys167Asn). This variant is present in population databases (rs780763517, gnomAD 0.03%). This variant has not been reported in the literature in individuals affected with ATP7B-related conditions. ClinVar contains an entry for this variant (Variation ID: 2076531). Invitae Evidence Modeling of protein sequence and biophysical properties (such as structural, functional, and spatial information, amino acid conservation, physicochemical variation, residue mobility, and thermodynamic stability) indicates that this missense variant is not expected to disrupt ATP7B protein function with a negative predictive value of 95%. In summary, the available evidence is currently insufficient to determine the role of this variant in disease. Therefore, it has been classified as a Variant of Uncertain Significance.

Fulgent Genetics
Classification: Uncertain significance for Wilson disease. Last evaluated: 2024-03-22. Review status: criteria provided, single submitter. Criteria: ACMG Guidelines, 2015. Collection method: clinical testing. Allele origin: germline.

All of Us Research Program, National Institutes of Health
Classification: Uncertain significance for Wilson disease. Last evaluated: 2023-10-23. Review status: criteria provided, single submitter. Criteria: ACMG Guidelines, 2015. Collection method: clinical testing. Allele origin: germline. Inheritance: Autosomal recessive inheritance. Observed: 1 variant allele, 1 heterozygote.
Comment: This missense variant replaces lysine with asparagine at codon 167 of the ATP7B protein. Computational prediction suggests that this variant may not impact protein structure and function (internally defined REVEL score threshold <= 0.5, PMID: 27666373). To our knowledge, functional studies have not been reported for this variant. This variant has not been reported in individuals affected with ATP7B-related disorders in the literature. This variant has been identified in 10/280796 chromosomes in the general population by the Genome Aggregation Database (gnomAD). The available evidence is insufficient to determine the role of this variant in disease conclusively. Therefore, this variant is classified as a Variant of Uncertain Significance.

This study involves interpretation of variants in research participants for the purpose of population health screening. Participant phenotype was not available at the time of variant classification. Additional details can be found in publication PMID: 35346344, PMCID: PMC8962531

Color Diagnostics, LLC DBA Color Health
Classification: Uncertain significance for Wilson disease. Last evaluated: 2023-10-05. Review status: criteria provided, single submitter. Criteria: ACMG Guidelines, 2015. Collection method: clinical testing. Allele origin: germline.
Comment: This missense variant replaces lysine with asparagine at codon 167 of the ATP7B protein. Computational prediction suggests that this variant may not impact protein structure and function. To our knowledge, functional studies have not been reported for this variant. This variant has not been reported in individuals affected with ATP7B-related disorders in the literature. This variant has been identified in 10/280796 chromosomes in the general population by the Genome Aggregation Database (gnomAD). The available evidence is insufficient to determine the role of this variant in disease conclusively. Therefore, this variant is classified as a Variant of Uncertain Significance.

NM_000053.4(ATP7B):c.501A>T (p.Lys167Asn)

Gene: ATP7B (ATPase copper transporting beta; minus strand). Cytogenetic location: 13q14.3.
Variant type: single nucleotide variant.
Coding change: c.501A>T on transcript NM_000053.4 (MANE Select); coding-DNA position 501, A replaced by T.
Protein change: p.Lys167Asn; replaces lysine 167 with asparagine.
Molecular consequence: missense variant.
Genome position (GRCh38, 1-based): chr13:51,974,719, T>A on the plus strand (A>T on the coding strand, the complement: ATP7B is on the minus strand). VCF-style: chr13-51974719-T-A. GRCh37 (hg19) VCF-style: chr13-52548855-T-A.
Other names: c.501A>T, p.Lys167Asn (NM_001406515.1, NM_001406516.1, NM_001406519.1 and 30 more transcripts); c.405A>T, p.Lys135Asn (NM_001406517.1, NM_001406518.1, NM_001406530.1 and 4 more transcripts); short protein forms K167N, K135N.
Identifiers: ClinVar variation 2076531 (VCV002076531.5), dbSNP rs780763517, ClinGen allele CA6989550.
Genomic context (GRCh38, chr13:51,974,719, plus strand): 5'-ATAAGTGATGACGGCCTCTTGGTTGCTGAGTGAGACTTTGACTCTCACTACTCCTTGCAG[T>A]TTCCGGACCTTGCCTTCAATGGAGCTGACACAGGACTGGCAGGTCATGCCCTCCACCCGG-3'
Protein context (NP_000044.2, residues 157-177): CVSSIEGKVR[Lys167Asn]LQGVVRVKVS